The following is an entry in ClinVar:

NM_001377.3(DYNC2H1):c.4159dup (p.Arg1387fs)

Gene: DYNC2H1 (dynein cytoplasmic 2 heavy chain 1; plus strand). Cytogenetic location: 11q22.3.
Variant type: Duplication.
Coding change: c.4159dup on transcript NM_001377.3 (MANE Select); coding-DNA position 4159, one base duplicated (A; older notation c.4159dupA).
Protein change: p.Arg1387fs; shifts the reading frame from arginine 1387.
Molecular consequence: frameshift variant.
Genome position (GRCh38, 1-based): chr11:103,158,708, A duplicated. VCF-style (leftmost placement, unchanged base first): chr11-103158707-T-TA. GRCh37 (hg19) VCF-style: chr11-103029436-T-TA.
Other names: c.4159dup, p.Arg1387fs (NM_001080463.2); short protein forms R1387fs.
Identifiers: ClinVar variation 5015423 (VCV005015423.1).

ClinVar aggregate classification (germline): Pathogenic (1 of 4 stars; one submission).

Conditions:
Asphyxiating thoracic dystrophy 3. Also called: SHORT-RIB THORACIC DYSPLASIA 3 WITH OR WITHOUT POLYDACTYLY; POLYDACTYLY WITH NEONATAL CHONDRODYSTROPHY, TYPE I; SHORT-RIB THORACIC DYSPLASIA 3/6 WITH POLYDACTYLY, DIGENIC; Short rib polydactyly syndrome 2B; Saldino-Noonan Syndrome. Identifiers: Orphanet 474, Orphanet 93269, Orphanet 93270, Orphanet 93271, MedGen C0036069, MONDO:0013127, OMIM 613091.

Submission:

Myriad Genetics, Inc.
Classification: Pathogenic for Asphyxiating thoracic dystrophy 3. Last evaluated: 2026-01-15. Review status: criteria provided, single submitter. Criteria: Myriad Autosomal Dominant, Autosomal Recessive and X-Linked Classification Criteria (2023). Collection method: clinical testing. Allele origin: unknown.
Comment: NM_001377.2(DYNC2H1):c.4159dupA(R1387Kfs*20) is expected to be pathogenic in the context of DYNC2H1-related disorders. This variant is predicted to lead to an abnormal or absent protein product due to the creation of a premature termination codon in DYNC2H1, a gene where loss-of-function variants are known to be pathogenic. Please note: this variant was assessed in the context of healthy population screening.